The following is an entry in ClinVar:

ClinVar aggregate classification (germline): Uncertain significance (1 of 4 stars; one submission).

Submission:

Ambry Genetics
Classification: Uncertain significance. Last evaluated: 2024-01-01. Review status: criteria provided, single submitter. Criteria: Ambry Variant Classification Scheme 2023. Collection method: clinical testing. Allele origin: germline.
Comment: The p.L1163H variant (also known as c.3488T>A), located in coding exon 30 of the KIF1B gene, results from a T to A substitution at nucleotide position 3488. The leucine at codon 1163 is replaced by histidine, an amino acid with similar properties. This amino acid position is conserved. In addition, this alteration is predicted to be tolerated by in silico analysis. Since supporting evidence is limited at this time, the clinical significance of this alteration remains unclear.

NM_001365951.3(KIF1B):c.3626T>A (p.Leu1209His)

Gene: KIF1B (kinesin family member 1B; plus strand). Cytogenetic location: 1p36.22.
Variant type: single nucleotide variant.
Coding change: c.3626T>A on transcript NM_001365951.3 (MANE Select); coding-DNA position 3626, T replaced by A.
Protein change: p.Leu1209His; replaces leucine 1209 with histidine.
Molecular consequence: missense variant.
Genome position (GRCh38, 1-based): chr1:10,342,162, T>A. VCF-style: chr1-10342162-T-A. GRCh37 (hg19) VCF-style: chr1-10402220-T-A.
Other names: c.3626T>A, p.Leu1209His (NM_001365952.1); c.3488T>A, p.Leu1163His (NM_015074.3); short protein forms L1163H, L1209H.
Identifiers: ClinVar variation 3226461 (VCV003226461.1), dbSNP rs2521752750, ClinGen allele CA338341963.